The following is an entry in ClinVar:

ClinVar aggregate classification (germline): Likely benign (1 of 4 stars; one submission).

Allele frequency attached by ClinVar (database versions not stated): gnomAD 0.00229 and 0.00237; gnomAD exomes 0.00328; 1000 Genomes Project 30x 0.00016; TOPMed 0.00247.

Submission:

Women's Health and Genetics/Laboratory Corporation of America, LabCorp
Classification: Likely benign. Last evaluated: 2025-11-03. Review status: criteria provided, single submitter. Criteria: LabCorp Variant Classification Summary - May 2015. Collection method: clinical testing. Allele origin: germline.
Comment: Variant summary: CFTR c.3717+130_3717+131delAT is located at a position not widely known to affect splicing. Consensus agreement among computation tools predict no significant impact on normal splicing. However, these predictions have yet to be confirmed by functional studies. The variant allele was found at a frequency of 0.0031 in 968694 control chromosomes in the gnomAD database, including 9 homozygotes. This frequency is not significantly higher than estimated for disease-causing variants in CFTR, allowing no conclusion about variant significance. One study reported that this variant was found in a cohort of patients with Asthma and controls at similar frequency (Lazaro_1999), suggesting that this variant is not associated with Asthma. This report does not provide unequivocal conclusions about association of the variant with Cystic Fibrosis. To our knowledge, no experimental evidence demonstrating an impact on protein function has been reported. The following publication has been ascertained in the context of this evaluation (PMID: 10571949). ClinVar contains an entry for this variant (Variation ID: 35874). Based on the evidence outlined above, the variant was classified as likely benign.

Literature cited by the submitters: PubMed 10571949.

NM_000492.4(CFTR):c.3717+130_3717+131del

Genes: CFTR (CF transmembrane conductance regulator; plus strand), CFTR-AS2 (CFTR antisense RNA 2; minus strand). Cytogenetic location: 7q31.2.
Variant type: Deletion.
Coding change: c.3717+130_3717+131del on transcript NM_000492.4 (MANE Select); bases 130 to 131 of the intron after coding-DNA position 3717, 2 bases deleted (AT; older notation c.3717+130_3717+131delAT).
Molecular consequence: intron variant.
Genome position (GRCh38, 1-based): chr7:117,627,900-117,627,901, AT deleted. VCF-style (leftmost placement, unchanged base first): chr7-117627899-CAT-C. GRCh37 (hg19) VCF-style: chr7-117267953-CAT-C.
Other names: c.3717+130_3717+131delAT (NM_000492.4, NM_000492.3); c.3717+130delAT (NM_000492.3).
Identifiers: ClinVar variation 35874 (VCV000035874.7), dbSNP rs4148721, ClinGen allele CA260241.